The following is an entry in ClinVar:

NM_002900.3(RBP3):c.2991C>A (p.His997Gln)

Gene: RBP3 (retinol binding protein 3; plus strand). Cytogenetic location: 10q11.22.
Variant type: single nucleotide variant.
Coding change: c.2991C>A on transcript NM_002900.3 (MANE Select); coding-DNA position 2991, C replaced by A.
Protein change: p.His997Gln; replaces histidine 997 with glutamine.
Molecular consequence: missense variant.
Genome position (GRCh38, 1-based): chr10:47,351,475, C>A. VCF-style: chr10-47351475-C-A. GRCh37 (hg19) VCF-style: chr10-48387887-G-T.
Other names: short protein forms H997Q.
Identifiers: ClinVar variation 857395 (VCV000857395.7), dbSNP rs145728430, ClinGen allele CA5487159.
Genomic context (GRCh38, chr10:47,351,475, plus strand): 5'-AGAAGTGGCCCTAGCCGAGATCCTGGGGGCTGACCTGCAGATGCTCTCCGGAGACCCACA[C>A]CTGAAGGCAGCCCATATCCCTGAGAATGCCAAGGACCGCATTCCTGGAATTGTGCCCATG-3'
Protein context (NP_002891.1, residues 987-1007): ADLQMLSGDP[His997Gln]LKAAHIPENA

ClinVar aggregate classification (germline): Uncertain significance. Review status: criteria provided, multiple submitters, no conflicts (2 of 4 stars). 3 submissions from 3 submitters: Uncertain significance (3). Last evaluated 2026-02-02.

Conditions:
Inborn genetic diseases. Identifiers: MedGen C0950123, MeSH D030342.

Allele frequency attached by ClinVar (database versions not stated): ESP Exome Variant Server 0.00015; gnomAD 0.00015 and 0.00016; TOPMed 0.00019.
gnomAD v4.1: 53 of 1,613,758 alleles (0.0033%); highest among the groups gnomAD compares: African/African-American, 0.069%; no homozygotes.

Submissions (3):

Labcorp Genetics (formerly Invitae), Labcorp
Classification: Uncertain significance. Last evaluated: 2026-02-02. Review status: criteria provided, single submitter. Criteria: Invitae Variant Classification Sherloc (09022015). Collection method: clinical testing. Allele origin: germline.
Comment: This sequence change replaces histidine, which is basic and polar, with glutamine, which is neutral and polar, at codon 997 of the RBP3 protein (p.His997Gln). This variant is present in population databases (rs145728430, gnomAD 0.07%). This variant has not been reported in the literature in individuals affected with RBP3-related conditions. ClinVar contains an entry for this variant (Variation ID: 857395). An algorithm developed to predict the effect of missense changes on protein structure and function (PolyPhen-2) suggests that this variant is likely to be tolerated. In summary, the available evidence is currently insufficient to determine the role of this variant in disease. Therefore, it has been classified as a Variant of Uncertain Significance.

Blueprint Genetics
Classification: Uncertain significance. Last evaluated: 2022-11-15. Review status: criteria provided, single submitter. Criteria: ACMG Guidelines, 2015. Collection method: clinical testing. Allele origin: germline.

Ambry Genetics
Classification: Uncertain significance for Inborn genetic diseases. Last evaluated: 2022-05-16. Review status: criteria provided, single submitter. Criteria: Ambry Variant Classification Scheme 2023. Collection method: clinical testing. Allele origin: germline.